The following is an entry in ClinVar:

ClinVar aggregate classification (germline): Uncertain significance. Review status: criteria provided, multiple submitters, no conflicts (2 of 4 stars). 3 submissions from 3 submitters: Uncertain significance (3). Last evaluated 2025-09-28.

Allele frequency attached by ClinVar (database versions not stated): TOPMed 0.00002; ExAC 0.00003; gnomAD 0.00003; 1000 Genomes Project 30x 0.00016; 1000 Genomes Project 0.00020.
gnomAD v4.1: 48 of 1,614,050 alleles (0.003%); highest among the groups gnomAD compares: Middle Eastern, 0.017%; 1 homozygote.

Submissions (3):

Ambry Genetics
Classification: Uncertain significance. Last evaluated: 2025-09-28. Review status: criteria provided, single submitter. Criteria: Ambry Variant Classification Scheme 2023. Collection method: clinical testing. Allele origin: germline.

Blueprint Genetics
Classification: Uncertain significance. Last evaluated: 2024-11-26. Review status: criteria provided, single submitter. Criteria: ACMG Guidelines, 2015. Collection method: clinical testing. Allele origin: germline.

Labcorp Genetics (formerly Invitae), Labcorp
Classification: Uncertain significance. Last evaluated: 2022-08-06. Review status: criteria provided, single submitter. Criteria: Invitae Variant Classification Sherloc (09022015). Collection method: clinical testing. Allele origin: germline.
Comment: In summary, the available evidence is currently insufficient to determine the role of this variant in disease. Therefore, it has been classified as a Variant of Uncertain Significance. Algorithms developed to predict the effect of missense changes on protein structure and function are either unavailable or do not agree on the potential impact of this missense change (SIFT: "Deleterious"; PolyPhen-2: "Probably Damaging"; Align-GVGD: "Class C0"). This variant has not been reported in the literature in individuals affected with MCM2-related conditions. This variant is present in population databases (rs372340490, gnomAD 0.003%). This sequence change replaces arginine, which is basic and polar, with cysteine, which is neutral and slightly polar, at codon 623 of the MCM2 protein (p.Arg623Cys).

NM_004526.4(MCM2):c.1867C>T (p.Arg623Cys)

Gene: MCM2 (minichromosome maintenance complex component 2; plus strand). Cytogenetic location: 3q21.3.
Variant type: single nucleotide variant.
Coding change: c.1867C>T on transcript NM_004526.4 (MANE Select); coding-DNA position 1867, C replaced by T.
Protein change: p.Arg623Cys; replaces arginine 623 with cysteine.
Molecular consequence: missense variant. On other transcripts: non-coding transcript variant (1).
Genome position (GRCh38, 1-based): chr3:127,617,372, C>T. VCF-style: chr3-127617372-C-T. GRCh37 (hg19) VCF-style: chr3-127336215-C-T.
Other names: c.1867C>T (NM_004526.2); short protein forms R623C.
Identifiers: ClinVar variation 2170120 (VCV002170120.7), dbSNP rs372340490, ClinGen allele CA2596032.
Genomic context (GRCh38, chr3:127,617,372, plus strand): 5'-GCCATGGAGCAACAGAGCATCTCCATCTCGAAGGCTGGCATCGTCACCTCCCTGCAGGCT[C>T]GCTGCACGGTCATTGCTGCCGCCAACCCCATAGGTGCAGCAGGCACCCTGACTGCTGGGG-3'
Protein context (NP_004517.2, residues 613-633): KAGIVTSLQA[Arg623Cys]CTVIAAANPI